The following is an entry in ClinVar:

ClinVar aggregate classification (germline): Uncertain significance (1 of 4 stars; one submission).

Conditions:
Inborn genetic diseases. Identifiers: MedGen C0950123, MeSH D030342.

gnomAD v4.1: 1 of 1,613,648 alleles (0.000062%); highest among the groups gnomAD compares: Non-Finnish European, 0.000085%; no homozygotes.

Submission:

Ambry Genetics
Classification: Uncertain significance for Inborn genetic diseases. Last evaluated: 2026-07-13. Review status: criteria provided, single submitter. Criteria: Ambry Variant Classification Scheme 2023. Collection method: clinical testing. Allele origin: germline.
Comment: The p.Y1478H variant (also known as c.4432T>C), located in coding exon 30 of the ANKRD26 gene, results from a T to C substitution at nucleotide position 4432. The tyrosine at codon 1478 is replaced by histidine, an amino acid with similar properties. This amino acid position is conserved. In addition, this alteration is predicted to be tolerated by in silico analysis. Based on the available evidence, the clinical significance of this variant remains unclear.

NM_014915.3(ANKRD26):c.4432T>C (p.Tyr1478His)

Gene: ANKRD26 (ankyrin repeat domain 26; minus strand). Cytogenetic location: 10p12.1.
Variant type: single nucleotide variant.
Coding change: c.4432T>C on transcript NM_014915.3 (MANE Select); coding-DNA position 4432, T replaced by C.
Protein change: p.Tyr1478His; replaces tyrosine 1478 with histidine.
Molecular consequence: missense variant.
Genome position (GRCh38, 1-based): chr10:27,017,576, A>G on the plus strand (T>C on the coding strand, the complement: ANKRD26 is on the minus strand). VCF-style: chr10-27017576-A-G. GRCh37 (hg19) VCF-style: chr10-27306505-A-G.
Other names: c.4429T>C, p.Tyr1477His (NM_001256053.2); short protein forms Y1477H, Y1478H.
Identifiers: ClinVar variation 5023027 (VCV005023027.1).